The following is an entry in ClinVar:

ClinVar aggregate classification (germline): Uncertain significance (1 of 4 stars; one submission).

Allele frequency attached by ClinVar (database versions not stated): gnomAD exomes below 0.00001; gnomAD 0.00001; TOPMed 0.00001.
gnomAD v4.1: 4 of 1,614,102 alleles (0.00025%); highest among the groups gnomAD compares: East Asian, 0.0067%; no homozygotes.

Submission:

Labcorp Genetics (formerly Invitae), Labcorp
Classification: Uncertain significance. Last evaluated: 2025-01-20. Review status: criteria provided, single submitter. Criteria: Invitae Variant Classification Sherloc (09022015). Collection method: clinical testing. Allele origin: germline.
Comment: This sequence change replaces methionine, which is neutral and non-polar, with leucine, which is neutral and non-polar, at codon 66 of the MYLIP protein (p.Met66Leu). This variant is present in population databases (no rsID available, gnomAD 0.02%). This variant has not been reported in the literature in individuals affected with MYLIP-related conditions. ClinVar contains an entry for this variant (Variation ID: 2801851). An algorithm developed to predict the effect of missense changes on protein structure and function (PolyPhen-2) suggests that this variant is likely to be tolerated. In summary, the available evidence is currently insufficient to determine the role of this variant in disease. Therefore, it has been classified as a Variant of Uncertain Significance.

NM_013262.4(MYLIP):c.196A>T (p.Met66Leu)

Gene: MYLIP (myosin regulatory light chain interacting protein; plus strand). Cytogenetic location: 6p22.3.
Variant type: single nucleotide variant.
Coding change: c.196A>T on transcript NM_013262.4 (MANE Select); coding-DNA position 196, A replaced by T.
Protein change: p.Met66Leu; replaces methionine 66 with leucine.
Molecular consequence: missense variant.
Genome position (GRCh38, 1-based): chr6:16,130,665, A>T. VCF-style: chr6-16130665-A-T. GRCh37 (hg19) VCF-style: chr6-16130896-A-T.
Other names: short protein forms M66L.
Identifiers: ClinVar variation 2801851 (VCV002801851.3), dbSNP rs1376521044, ClinGen allele CA362870923.